The following is an entry in ClinVar:

NM_004006.3(DMD):c.4634dup (p.Thr1546fs)

Gene: DMD (dystrophin; minus strand). Cytogenetic location: Xp21.1.
Variant type: Duplication.
Coding change: c.4634dup on transcript NM_004006.3 (MANE Select); coding-DNA position 4634, one base duplicated (T; older notation c.4634dupT).
Protein change: p.Thr1546fs; shifts the reading frame from threonine 1546.
Molecular consequence: frameshift variant.
Genome position (GRCh38, 1-based): chrX:32,386,350, A duplicated on the plus strand (T on the coding strand, the reverse complement: DMD is on the minus strand). VCF-style (leftmost placement, unchanged base first): chrX-32386349-T-TA. GRCh37 (hg19) VCF-style: chrX-32404466-T-TA.
Other names: c.4634dupT (NM_004006.2); c.4610dup, p.Thr1538fs (NM_000109.4); c.4622dup, p.Thr1542fs (NM_004009.3); c.4265dup, p.Thr1423fs (NM_004010.3); c.611dup, p.Thr205fs (NM_004011.4); c.602dup, p.Thr202fs (NM_004012.4); short protein forms T1538fs, T1423fs, T1542fs, T1546fs, T205fs, T202fs.
Identifiers: ClinVar variation 2048502 (VCV002048502.4), dbSNP rs398123963, ClinGen allele CA267034.

ClinVar aggregate classification (germline): Pathogenic (1 of 4 stars; one submission).

Conditions:
Duchenne muscular dystrophy (DMD). Also called: MUSCULAR DYSTROPHY, PSEUDOHYPERTROPHIC PROGRESSIVE, DUCHENNE TYPE; Duchenne Muscular Dystrophy (DMD). Identifiers: Orphanet 98896, MedGen C0013264, MONDO:0010679, OMIM 310200.

Submission:

Labcorp Genetics (formerly Invitae), Labcorp
Classification: Pathogenic for Duchenne muscular dystrophy. Last evaluated: 2024-02-06. Review status: criteria provided, single submitter. Criteria: Invitae Variant Classification Sherloc (09022015). Collection method: clinical testing. Allele origin: germline.
Comment: This sequence change creates a premature translational stop signal (p.Thr1546Asnfs*8) in the DMD gene. It is expected to result in an absent or disrupted protein product. Loss-of-function variants in DMD are known to be pathogenic (PMID: 16770791, 25007885). This variant is not present in population databases (gnomAD no frequency). This variant has not been reported in the literature in individuals affected with DMD-related conditions. ClinVar contains an entry for this variant (Variation ID: 2048502). For these reasons, this variant has been classified as Pathogenic.

Literature cited by the submitters: PubMed 16770791; PubMed 25007885.